The following is an entry in ClinVar:

NM_001244008.2(KIF1A):c.3221T>C (p.Leu1074Pro)

Gene: KIF1A (kinesin family member 1A; minus strand). Cytogenetic location: 2q37.3.
Variant type: single nucleotide variant.
Coding change: c.3221T>C on transcript NM_001244008.2 (MANE Select); coding-DNA position 3221, T replaced by C.
Protein change: p.Leu1074Pro; replaces leucine 1074 with proline.
Molecular consequence: missense variant.
Genome position (GRCh38, 1-based): chr2:240,745,891, A>G on the plus strand (T>C on the coding strand, the complement: KIF1A is on the minus strand). VCF-style: chr2-240745891-A-G. GRCh37 (hg19) VCF-style: chr2-241685308-A-G.
Other names: c.2945T>C, p.Leu982Pro (NM_001320705.2, NM_001330289.2, NM_001379638.1); c.3020T>C, p.Leu1007Pro (NM_001330290.2, NM_001379634.1, NM_001379635.1 and 1 more transcripts); c.3296T>C, p.Leu1099Pro (NM_001379631.1); c.3170T>C, p.Leu1057Pro (NM_001379632.1); c.3194T>C, p.Leu1065Pro (NM_001379633.1, NM_001379642.1, NM_001379645.1); c.2918T>C, p.Leu973Pro (NM_001379636.1, NM_001379639.1, NM_001379641.1 and 5 more transcripts); c.2993T>C, p.Leu998Pro (NM_001379637.1, NM_001379648.1); c.2915T>C, p.Leu972Pro (NM_001379640.1); short protein forms L1007P, L1099P, L1057P, L972P, L1065P, L1074P, L973P, L982P.
Identifiers: ClinVar variation 1030763 (VCV001030763.1), dbSNP rs750268852, ClinGen allele CA2207863.

ClinVar aggregate classification (germline): Uncertain significance (1 of 4 stars; one submission).

Conditions:
Hereditary spastic paraplegia 30. Identifiers: Orphanet 101010, MedGen C5235139, MONDO:0012476.

Allele frequency attached by ClinVar (database versions not stated): gnomAD exomes below 0.00001; ExAC 0.00001.
gnomAD v4.1: 1 of 1,606,286 alleles (0.000062%); highest among the groups gnomAD compares: South Asian, 0.0011%; no homozygotes.

Submission:

Baylor Genetics
Classification: Uncertain significance for Spastic paraplegia 30A, autosomal dominant. Last evaluated: 2019-06-28. Review status: criteria provided, single submitter. Criteria: ACMG Guidelines, 2015. Collection method: clinical testing. Allele origin: maternal. Affected: yes.
Comment: This variant was determined to be of uncertain significance according to ACMG Guidelines, 2015 [PMID:25741868].